The following is an entry in ClinVar:

NM_014014.5(SNRNP200):c.3261G>A (p.Ser1087=)

Gene: SNRNP200 (small nuclear ribonucleoprotein U5 subunit 200; minus strand). Cytogenetic location: 2q11.2.
Variant type: single nucleotide variant.
Coding change: c.3261G>A on transcript NM_014014.5 (MANE Select); coding-DNA position 3261, G replaced by A.
Protein change: p.Ser1087=; no amino-acid change (serine 1087 retained).
Molecular consequence: synonymous variant.
Genome position (GRCh38, 1-based): chr2:96,287,967, C>T on the plus strand (G>A on the coding strand, the complement: SNRNP200 is on the minus strand). VCF-style: chr2-96287967-C-T. GRCh37 (hg19) VCF-style: chr2-96953705-C-T.
Identifiers: ClinVar variation 963800 (VCV000963800.11), dbSNP rs767996462, ClinGen allele CA1778497.

ClinVar aggregate classification (germline): Uncertain significance. Review status: criteria provided, multiple submitters, no conflicts (2 of 4 stars). 2 submissions from 2 submitters: Uncertain significance (2). Last evaluated 2023-04-24.

Allele frequency attached by ClinVar (database versions not stated): gnomAD exomes below 0.00001 and 0.00001; ExAC 0.00002.
gnomAD v4.1: 9 of 1,614,134 alleles (0.00056%); highest among the groups gnomAD compares: South Asian, 0.0022%; no homozygotes.

Submissions (3):

Labcorp Genetics (formerly Invitae), Labcorp
Classification: Uncertain significance. Last evaluated: 2023-04-24. Review status: criteria provided, single submitter. Criteria: Invitae Variant Classification Sherloc (09022015). Collection method: clinical testing. Allele origin: germline.
Comment: This sequence change affects codon 1087 of the SNRNP200 mRNA. It is a 'silent' change, meaning that it does not change the encoded amino acid sequence of the SNRNP200 protein. This variant is present in population databases (rs767996462, gnomAD 0.003%). This variant has not been reported in the literature in individuals affected with SNRNP200-related conditions. ClinVar contains an entry for this variant (Variation ID: 963800). Algorithms developed to predict the effect of sequence changes on RNA splicing suggest that this variant may create or strengthen a splice site. In summary, the available evidence is currently insufficient to determine the role of this variant in disease. Therefore, it has been classified as a Variant of Uncertain Significance.

Blueprint Genetics
Classification: Uncertain significance. Last evaluated: 2021-12-23. Review status: criteria provided, single submitter. Criteria: ACMG Guidelines, 2015. Collection method: clinical testing. Allele origin: germline.

Dr. Peter K. Rogan Lab, Western University
No classification provided (evidence only). Condition: Hepatocellular carcinoma. Review status: no classification provided. Collection method: in vitro. Allele origin: not applicable. Functional consequence: retained intron. Not counted in ClinVar's aggregate classification.